The following is an entry in ClinVar:

ClinVar aggregate classification (germline): Uncertain significance (1 of 4 stars; one submission).

Conditions:
Developmental and epileptic encephalopathy, 1 (DEE1). Also called: X-linked infantile spasms; West's syndrome; Tonic spasms with clustering, arrest of psychomotor development and hypsarrhythmia on EEG; X-Linked Infantile Spasm Syndrome; OHTAHARA SYNDROME, X-LINKED; Epileptic encephalopathy, early infantile, 1. Identifiers: MedGen C3463992, MONDO:0010632, OMIM 308350. Disease mechanism: loss of function.
Autosomal recessive spinocerebellar ataxia 12. Also called: SPINOCEREBELLAR ATAXIA WITH MENTAL RETARDATION AND EPILEPSY. Identifiers: Orphanet 284282, MedGen C3280452, MONDO:0013687, OMIM 614322.

gnomAD v4.1: 2 of 1,614,244 alleles (0.00012%); highest among the groups gnomAD compares: South Asian, 0.0011%; no homozygotes.

Submission:

Labcorp Genetics (formerly Invitae), Labcorp
Classification: Uncertain significance for Developmental and epileptic encephalopathy, 1; Autosomal recessive spinocerebellar ataxia 12. Last evaluated: 2023-06-29. Review status: criteria provided, single submitter. Criteria: Invitae Variant Classification Sherloc (09022015). Collection method: clinical testing. Allele origin: germline.
Comment: In summary, the available evidence is currently insufficient to determine the role of this variant in disease. Therefore, it has been classified as a Variant of Uncertain Significance. Advanced modeling of protein sequence and biophysical properties (such as structural, functional, and spatial information, amino acid conservation, physicochemical variation, residue mobility, and thermodynamic stability) performed at Invitae indicates that this missense variant is expected to disrupt WWOX protein function. ClinVar contains an entry for this variant (Variation ID: 1051151). This variant has not been reported in the literature in individuals affected with WWOX-related conditions. This variant is present in population databases (rs201088847, gnomAD 0.003%). This sequence change replaces asparagine, which is neutral and polar, with lysine, which is basic and polar, at codon 378 of the WWOX protein (p.Asn378Lys).

NM_016373.4(WWOX):c.1134C>G (p.Asn378Lys)

Genes: MAF (MAF bZIP transcription factor; minus strand), WWOX (WW domain containing oxidoreductase; plus strand). Cytogenetic location: 16q23.2.
Variant type: single nucleotide variant.
Coding change: c.1134C>G on transcript NM_016373.4 (MANE Select); coding-DNA position 1134, C replaced by G.
Protein change: p.Asn378Lys; replaces asparagine 378 with lysine.
Molecular consequence: missense variant.
Genome position (GRCh38, 1-based): chr16:79,211,685, C>G. VCF-style: chr16-79211685-C-G. GRCh37 (hg19) VCF-style: chr16-79245582-C-G.
Other names: c.795C>G, p.Asn265Lys (NM_001291997.2); short protein forms N265K, N378K.
Identifiers: ClinVar variation 1051151 (VCV001051151.10), dbSNP rs201088847, ClinGen allele CA8183754.